The following is an entry in ClinVar:

ClinVar aggregate classification (germline): Likely benign (1 of 4 stars; one submission).

Submission:

GeneDx
Classification: Likely benign. Last evaluated: 2015-12-07. Review status: criteria provided, single submitter. Criteria: GeneDx Variant Classification (06012015). Collection method: clinical testing. Allele origin: germline. Affected: yes.
Comment: This variant is considered likely benign or benign based on one or more of the following criteria: it is a conservative change, it occurs at a poorly conserved position in the protein, it is predicted to be benign by multiple in silico algorithms, and/or has population frequency not consistent with disease.

NM_002230.4(JUP):c.-8-8G>T

Gene: JUP (junction plakoglobin; minus strand). Cytogenetic location: 17q21.2.
Variant type: single nucleotide variant.
Coding change: c.-8-8G>T on transcript NM_002230.4 (MANE Select); 8 bases into the intron before 8 bases upstream of the start codon, G replaced by T.
Molecular consequence: intron variant.
Genome position (GRCh38, 1-based): chr17:41,771,870, C>A on the plus strand (G>T on the coding strand, the complement: JUP is on the minus strand). VCF-style: chr17-41771870-C-A. GRCh37 (hg19) VCF-style: chr17-39928122-C-A.
Other names: c.-5-11G>T (NM_001352774.2, NM_001352775.2); c.-8-8G>T (NM_021991.4, NM_001352776.2, NM_001352773.2 and 1 more transcripts).
Identifiers: ClinVar variation 382021 (VCV000382021.1), dbSNP rs1057521241, ClinGen allele CA16608418.